The following is an entry in ClinVar:

NM_004621.6(TRPC6):c.2115C>T (p.Tyr705=)

Gene: TRPC6 (transient receptor potential cation channel subfamily C member 6; minus strand). Cytogenetic location: 11q22.1.
Variant type: single nucleotide variant.
Coding change: c.2115C>T on transcript NM_004621.6 (MANE Select); coding-DNA position 2115, C replaced by T.
Protein change: p.Tyr705=; no amino-acid change (tyrosine 705 retained).
Molecular consequence: synonymous variant.
Genome position (GRCh38, 1-based): chr11:101,472,227, G>A on the plus strand (C>T on the coding strand, the complement: TRPC6 is on the minus strand). VCF-style: chr11-101472227-G-A. GRCh37 (hg19) VCF-style: chr11-101342958-G-A.
Other names: p.Tyr705=.
Identifiers: ClinVar variation 259458 (VCV000259458.24), dbSNP rs61743044, ClinGen allele CA6244206.
Genomic context (GRCh38, chr11:101,472,227, plus strand): 5'-GGCAATTAACATATTTAGCAAAACAATGACCATCGTAACATTATAGACTCCATAAAGAAC[G>A]TAACCAATGTTTTCAATGAATTTGTGGTTATAGTTGATGACCACTGATTTCACTTCAGAA-3'
Protein context (NP_004612.2, residues 695-715): YNHKFIENIG[Tyr705=]VLYGVYNVTM

ClinVar aggregate classification (germline): Benign/Likely benign. Review status: criteria provided, multiple submitters, no conflicts (2 of 4 stars). 11 submissions from 11 submitters: Benign (8); Likely benign (1). 2 of the submissions do not count toward it. Last evaluated 2026-02-01.

Conditions:
Focal segmental glomerulosclerosis (FSGS). Also called: Glomerulosclerosis, focal; Focal sclerosis with hyalinosis. Identifiers: MedGen C0017668, MONDO:0100313, HP:0000097. Disease mechanism: loss of function.
Focal segmental glomerulosclerosis 2 (FSGS2). Identifiers: Orphanet 656, MedGen C1858915, MONDO:0011390, OMIM 603965.

Allele frequency attached by ClinVar (database versions not stated): gnomAD exomes 0.01998 and 0.02149; ExAC 0.02175; 1000 Genomes Project 0.03774; 1000 Genomes Project 30x 0.03888; gnomAD 0.04153 and 0.04384; TOPMed 0.04438; ESP Exome Variant Server 0.04768.
gnomAD v4.1: 37,880 of 1,612,978 alleles (2.3%); highest among the groups gnomAD compares: African/African-American, 11%; 727 homozygotes.

Submissions (11):

Labcorp Genetics (formerly Invitae), Labcorp
Classification: Benign. Last evaluated: 2026-02-01. Review status: criteria provided, single submitter. Criteria: Invitae Variant Classification Sherloc (09022015). Collection method: clinical testing. Allele origin: germline.

Blueprint Genetics
Classification: Likely benign. Last evaluated: 2024-11-27. Review status: criteria provided, single submitter. Criteria: ACMG Guidelines, 2015. Collection method: clinical testing. Allele origin: germline.

Mayo Clinic Laboratories, Mayo Clinic
Classification: Benign. Last evaluated: 2022-03-09. Review status: criteria provided, single submitter. Criteria: ACMG Guidelines, 2015. Collection method: clinical testing. Allele origin: germline. Observed: 7 variant alleles.

Genome Diagnostics Laboratory, The Hospital for Sick Children
Classification: Benign for Focal segmental glomerulosclerosis. Last evaluated: 2021-10-18. Review status: criteria provided, single submitter. Criteria: ACMG Guidelines, 2015. Collection method: clinical testing. Allele origin: germline.

GeneDx
Classification: Benign. Last evaluated: 2020-01-12. Review status: criteria provided, single submitter. Criteria: GeneDx Variant Classification Process June 2021. Collection method: clinical testing. Allele origin: germline. Affected: yes.

Illumina Laboratory Services, Illumina
Classification: Benign for Focal segmental glomerulosclerosis 2. Last evaluated: 2018-01-13. Review status: criteria provided, single submitter. Criteria: ICSL Variant Classification Criteria 13 December 2019. Collection method: clinical testing. Allele origin: germline.
Comment: This variant was observed in the ICSL laboratory as part of a predisposition screen in an ostensibly healthy population. It had not been previously curated by ICSL or reported in the Human Gene Mutation Database (HGMD: prior to June 1st, 2018), and was therefore a candidate for classification through an automated scoring system. Utilizing variant allele frequency, disease prevalence and penetrance estimates, and inheritance mode, an automated score was calculated to assess if this variant is too frequent to cause the disease. Based on the score and internal cut-off values, a variant classified as benign is not then subjected to further curation. The score for this variant resulted in a classification of benign for this disease.

Athena Diagnostics
Classification: Benign for Focal segmental glomerulosclerosis 2. Last evaluated: 2017-05-15. Review status: criteria provided, single submitter. Criteria: Athena Diagnostics Criteria. Collection method: clinical testing. Allele origin: germline.

Breakthrough Genomics
Classification: Benign. Review status: criteria provided, single submitter. Criteria: ACMG Guidelines, 2015. Collection method: not provided. Allele origin: germline. Inheritance: Autosomal dominant inheritance. Affected: yes.

PreventionGenetics, part of Exact Sciences
Classification: Benign. Review status: criteria provided, single submitter. Criteria: ACMG Guidelines, 2015. Collection method: clinical testing. Allele origin: germline.

Genome Diagnostics Laboratory, University Medical Center Utrecht
Classification: Benign. Review status: no assertion criteria provided. Collection method: clinical testing. Allele origin: germline. Affected: yes. Study: VKGL Data-share Consensus. Not counted in ClinVar's aggregate classification.

Joint Genome Diagnostic Labs from Nijmegen and Maastricht, Radboudumc and MUMC+
Classification: Benign. Review status: no assertion criteria provided. Collection method: clinical testing. Allele origin: germline. Affected: yes. Study: VKGL Data-share Consensus. Not counted in ClinVar's aggregate classification.

Literature cited by the submitters: PubMed 25019165 (cited by Athena Diagnostics); PubMed 22980509 (cited by Athena Diagnostics); PubMed 19936226 (cited by Athena Diagnostics).